The following is an entry in ClinVar:

NM_000226.4(KRT9):c.538G>A (p.Asp180Asn)

Gene: KRT9 (keratin 9; minus strand). Cytogenetic location: 17q21.2.
Variant type: single nucleotide variant.
Coding change: c.538G>A on transcript NM_000226.4 (MANE Select); coding-DNA position 538, G replaced by A.
Protein change: p.Asp180Asn; replaces aspartic acid 180 with asparagine.
Molecular consequence: missense variant.
Genome position (GRCh38, 1-based): chr17:41,571,455, C>T on the plus strand (G>A on the coding strand, the complement: KRT9 is on the minus strand). VCF-style: chr17-41571455-C-T. GRCh37 (hg19) VCF-style: chr17-39727707-C-T.
Other names: short protein forms D180N.
Identifiers: ClinVar variation 1470853 (VCV001470853.6), dbSNP rs763464432, ClinGen allele CA8562222.

ClinVar aggregate classification (germline): Uncertain significance (1 of 4 stars; one submission).

Allele frequency attached by ClinVar (database versions not stated): ExAC 0.00001.
gnomAD v4.1: 2 of 1,614,008 alleles (0.00012%); highest among the groups gnomAD compares: Non-Finnish European, 0.00017%; no homozygotes.

Submission:

Labcorp Genetics (formerly Invitae), Labcorp
Classification: Uncertain significance. Last evaluated: 2024-12-03. Review status: criteria provided, single submitter. Criteria: Invitae Variant Classification Sherloc (09022015). Collection method: clinical testing. Allele origin: germline.
Comment: This sequence change replaces aspartic acid, which is acidic and polar, with asparagine, which is neutral and polar, at codon 180 of the KRT9 protein (p.Asp180Asn). This variant is present in population databases (rs763464432, gnomAD 0.0009%). This variant has not been reported in the literature in individuals affected with KRT9-related conditions. ClinVar contains an entry for this variant (Variation ID: 1470853). Invitae Evidence Modeling of protein sequence and biophysical properties (such as structural, functional, and spatial information, amino acid conservation, physicochemical variation, residue mobility, and thermodynamic stability) indicates that this missense variant is not expected to disrupt KRT9 protein function with a negative predictive value of 95%. In summary, the available evidence is currently insufficient to determine the role of this variant in disease. Therefore, it has been classified as a Variant of Uncertain Significance.